The following is an entry in ClinVar:

NM_001267550.2(TTN):c.43138T>C (p.Cys14380Arg)

Gene: TTN (titin; minus strand). Cytogenetic location: 2q31.2.
Variant type: single nucleotide variant.
Coding change: c.43138T>C on transcript NM_001267550.2 (MANE Select); coding-DNA position 43138, T replaced by C.
Protein change: p.Cys14380Arg; replaces cysteine 14380 with arginine.
Molecular consequence: missense variant.
Genome position (GRCh38, 1-based): chr2:178,632,993, A>G on the plus strand (T>C on the coding strand, the complement: TTN is on the minus strand). VCF-style: chr2-178632993-A-G. GRCh37 (hg19) VCF-style: chr2-179497720-A-G.
Other names: c.38215T>C, p.Cys12739Arg (NM_001256850.1); c.35434T>C, p.Cys11812Arg (NM_133378.4); c.15943T>C, p.Cys5315Arg (NM_003319.4); c.16318T>C, p.Cys5440Arg (NM_133432.3); c.16519T>C, p.Cys5507Arg (NM_133437.4); short protein forms C11812R, C14380R, C12739R, C5507R, C5315R, C5440R.
Identifiers: ClinVar variation 179460 (VCV000179460.44), dbSNP rs557125278, ClinGen allele CA184461.

ClinVar aggregate classification (germline): Conflicting classifications of pathogenicity. Review status: criteria provided, conflicting classifications (1 of 4 stars). 7 submissions from 7 submitters: Uncertain significance (2); Benign (1); Likely benign (3). 1 of the submissions does not count toward it. Last evaluated 2026-01-26.

Conditions:
TTN-related disorder. Also called: TTN-related condition; TTN-related disease; TTN-related disorders.
Dilated cardiomyopathy 1G (CMD1G). Identifiers: Orphanet 154, MedGen C1858763, MONDO:0011400, OMIM 604145.
Autosomal recessive limb-girdle muscular dystrophy type 2J (LGMDR10). Also called: Limb-girdle muscular dystrophy, type 2J; MUSCULAR DYSTROPHY, LIMB-GIRDLE, AUTOSOMAL RECESSIVE 10. Identifiers: Orphanet 140922, MedGen C1837342, MONDO:0012127, OMIM 608807.

Allele frequency attached by ClinVar (database versions not stated): gnomAD below 0.00001 and 0.00015; TOPMed 0.00004; gnomAD exomes 0.00021 and 0.00042; ExAC 0.00052; 1000 Genomes Project 30x 0.00125; 1000 Genomes Project 0.00160.
gnomAD v4.1: 335 of 1,613,256 alleles (0.021%); highest among the groups gnomAD compares: South Asian, 0.33%; no homozygotes.

Submissions (7):

Women's Health and Genetics/Laboratory Corporation of America, LabCorp
Classification: Likely benign. Last evaluated: 2026-01-26. Review status: criteria provided, single submitter. Criteria: LabCorp Variant Classification Summary - May 2015. Collection method: clinical testing. Allele origin: germline.

Labcorp Genetics (formerly Invitae), Labcorp
Classification: Benign for Dilated cardiomyopathy 1G; Autosomal recessive limb-girdle muscular dystrophy type 2J. Last evaluated: 2026-01-19. Review status: criteria provided, single submitter. Criteria: Invitae Variant Classification Sherloc (09022015). Collection method: clinical testing. Allele origin: germline.

CeGaT Center for Human Genetics Tuebingen
Classification: Uncertain significance. Last evaluated: 2025-03-01. Review status: criteria provided, single submitter. Criteria: CeGaT Center For Human Genetics Tuebingen Variant Classification Criteria Version 2. Collection method: clinical testing. Allele origin: germline. Affected: yes. Observed: 2 variant alleles.

Blueprint Genetics
Classification: Likely benign. Last evaluated: 2024-11-21. Review status: criteria provided, single submitter. Criteria: ACMG Guidelines, 2015. Collection method: clinical testing. Allele origin: germline.

GeneDx
Classification: Likely benign. Last evaluated: 2020-10-23. Review status: criteria provided, single submitter. Criteria: GeneDx Variant Classification Process June 2021. Collection method: clinical testing. Allele origin: germline. Affected: yes.

Laboratory for Molecular Medicine, Mass General Brigham Personalized Medicine
Classification: Uncertain significance. Last evaluated: 2013-12-26. Review status: criteria provided, single submitter. Criteria: LMM Criteria. Collection method: clinical testing. Allele origin: germline. Observed: 2 variant alleles.
Comment: The Cys11812Arg variant in TTN has not been reported in individuals with cardiom yopathy or in large population studies. Computational analyses (amino acid bioch emical properties, conservation, SIFT, PolyPhen-2, AlignGVGD) suggest this varia nt may impact the protein, though this information is not predictive enough to d etermine pathogenicity. Additional information is needed to fully assess the cli nical significance of this variant.

PreventionGenetics, part of Exact Sciences
Classification: Likely benign for TTN-related condition. Last evaluated: 2021-03-02. Review status: no assertion criteria provided. Collection method: clinical testing. Allele origin: germline. Not counted in ClinVar's aggregate classification.
Comment: This variant is classified as likely benign based on ACMG/AMP sequence variant interpretation guidelines (Richards et al. 2015 PMID: 25741868, with internal and published modifications).